The following is an entry in ClinVar:

NM_206933.4(USH2A):c.13696A>G (p.Thr4566Ala)

Gene: USH2A (usherin; minus strand). Cytogenetic location: 1q41.
Variant type: single nucleotide variant.
Coding change: c.13696A>G on transcript NM_206933.4 (MANE Select); coding-DNA position 13696, A replaced by G.
Protein change: p.Thr4566Ala; replaces threonine 4566 with alanine.
Molecular consequence: missense variant.
Genome position (GRCh38, 1-based): chr1:215,674,215, T>C on the plus strand (A>G on the coding strand, the complement: USH2A is on the minus strand). VCF-style: chr1-215674215-T-C. GRCh37 (hg19) VCF-style: chr1-215847557-T-C.
Other names: short protein forms T4566A.
Identifiers: ClinVar variation 2572948 (VCV002572948.2), dbSNP rs2464893926, ClinGen allele CA344843829.
Genomic context (GRCh38, chr1:215,674,215, plus strand): 5'-GAGTTGTGTTTATGTGTATGATTTTAGTTTCTCTTTCAAATAGTTCACGGATGAAGAGGG[T>C]ATAATTGATGATATCACCATTTGTTCTCACTGGAGGGTCCCAGTTCACTAAGATCTCCTG-3'
Protein context (NP_996816.3, residues 4556-4576): VRTNGDIINY[Thr4566Ala]LFIRELFERE

ClinVar aggregate classification (germline): Uncertain significance (1 of 4 stars; one submission).

Allele frequency attached by ClinVar (database versions not stated): gnomAD exomes below 0.00001.
gnomAD v4.1: 2 of 1,614,090 alleles (0.00012%); highest among the groups gnomAD compares: Non-Finnish European, 0.00017%; no homozygotes.

Submission:

GeneDx
Classification: Uncertain significance. Last evaluated: 2025-08-25. Review status: criteria provided, single submitter. Criteria: GeneDx Variant Classification Process June 2021. Collection method: clinical testing. Allele origin: germline. Affected: yes.
Comment: Not observed at significant frequency in large population cohorts (gnomAD); In silico analysis supports that this missense variant has a deleterious effect on protein structure/function; Has not been previously published as pathogenic or benign to our knowledge; This variant is associated with the following publications: (PMID: 27535533)